The following is an entry in ClinVar:

NM_020117.11(LARS1):c.433-11A>G

Gene: LARS1 (leucyl-tRNA synthetase 1; minus strand). Cytogenetic location: 5q32.
Variant type: single nucleotide variant.
Coding change: c.433-11A>G on transcript NM_020117.11 (MANE Select); 11 bases into the intron before coding-DNA position 433, A replaced by G.
Molecular consequence: intron variant.
Genome position (GRCh38, 1-based): chr5:146,164,482, T>C on the plus strand (A>G on the coding strand, the complement: LARS1 is on the minus strand). VCF-style: chr5-146164482-T-C. GRCh37 (hg19) VCF-style: chr5-145544045-T-C.
Other names: c.271-11A>G (NM_001317965.2); c.352-11A>G (NM_016460.4); c.295-11A>G (NM_001317964.2).
Identifiers: ClinVar variation 388890 (VCV000388890.1), dbSNP rs367618230, ClinGen allele CA3489925.
Genomic context (GRCh38, chr5:146,164,482, plus strand): 5'-ATAATGCCCCACTGGTATTTAGAAGATCCAGCTTTAGCAGCAGCTTTACTCTGAAAATAA[T>C]GGAGAAAAATAAACTCGATCAAAGAATAACCAACACTCCAGGAAAATGACCCAAGATATT-3'

ClinVar aggregate classification (germline): Likely benign (1 of 4 stars; one submission).

Allele frequency attached by ClinVar (database versions not stated): ESP Exome Variant Server 0.00008; gnomAD exomes 0.00009 and 0.00013; gnomAD 0.00011 and 0.00012; TOPMed 0.00011; ExAC 0.00015.
gnomAD v4.1: 141 of 1,611,950 alleles (0.0087%); highest among the groups gnomAD compares: Admixed American, 0.019%; no homozygotes.

Submission:

GeneDx
Classification: Likely benign. Last evaluated: 2017-07-28. Review status: criteria provided, single submitter. Criteria: GeneDx Variant Classification (06012015). Collection method: clinical testing. Allele origin: germline. Affected: yes.
Comment: This variant is considered likely benign or benign based on one or more of the following criteria: it is a conservative change, it occurs at a poorly conserved position in the protein, it is predicted to be benign by multiple in silico algorithms, and/or has population frequency not consistent with disease.